The following is an entry in ClinVar:

ClinVar aggregate classification (germline): Uncertain significance. Review status: criteria provided, multiple submitters, no conflicts (2 of 4 stars). 2 submissions from 2 submitters: Uncertain significance (2). Last evaluated 2024-04-22.

Conditions:
Perlman syndrome (PRLMNS). Identifiers: Orphanet 2849, MedGen C0796113, MONDO:0009965, OMIM 267000.

Allele frequency attached by ClinVar (database versions not stated): gnomAD 0.00003.
gnomAD v4.1: 6 of 1,614,082 alleles (0.00037%); highest among the groups gnomAD compares: Non-Finnish European, 0.00051%; no homozygotes.

Submissions (2):

Labcorp Genetics (formerly Invitae), Labcorp
Classification: Uncertain significance for Perlman syndrome. Last evaluated: 2024-04-22. Review status: criteria provided, single submitter. Criteria: Invitae Variant Classification Sherloc (09022015). Collection method: clinical testing. Allele origin: germline.
Comment: This sequence change replaces lysine, which is basic and polar, with glutamic acid, which is acidic and polar, at codon 537 of the DIS3L2 protein (p.Lys537Glu). This variant is present in population databases (no rsID available, gnomAD 0.007%). This variant has not been reported in the literature in individuals affected with DIS3L2-related conditions. ClinVar contains an entry for this variant (Variation ID: 531939). Advanced modeling of protein sequence and biophysical properties (such as structural, functional, and spatial information, amino acid conservation, physicochemical variation, residue mobility, and thermodynamic stability) performed at Invitae indicates that this missense variant is not expected to disrupt DIS3L2 protein function with a negative predictive value of 80%. In summary, the available evidence is currently insufficient to determine the role of this variant in disease. Therefore, it has been classified as a Variant of Uncertain Significance.

Sema4
Classification: Uncertain significance for Perlman syndrome. Last evaluated: 2021-08-20. Review status: criteria provided, single submitter. Criteria: Sema4 Curation Guidelines. Collection method: curation. Allele origin: germline.
Comment: The DIS3L2 c.1609A>G (p.K537E) variant has not been reported in the literature to our knowledge. It was observed in 1/15422 chromosomes of the Non-Finnish European subpopulation in the large and broad cohorts of the Genome Aggregation Database (PMID: 32461654). The variant has been reported in ClinVar (Variation ID 531939). In silico tools suggest the impact of the variant on protein function is benign, though these predictions have not been confirmed by functional studies. The evidence is insufficient to meet ACMG/AMP criteria for classifying the variant as benign or pathogenic. Thus, the clinical significance of this variant is currently uncertain.

NM_152383.5(DIS3L2):c.1609A>G (p.Lys537Glu)

Gene: DIS3L2 (DIS3 like 3'-5' exoribonuclease 2; plus strand). Cytogenetic location: 2q37.1.
Variant type: single nucleotide variant.
Coding change: c.1609A>G on transcript NM_152383.5 (MANE Select); coding-DNA position 1609, A replaced by G.
Protein change: p.Lys537Glu; replaces lysine 537 with glutamic acid.
Molecular consequence: missense variant. On other transcripts: non-coding transcript variant (2), intron variant (1).
Genome position (GRCh38, 1-based): chr2:232,263,390, A>G. VCF-style: chr2-232263390-A-G. GRCh37 (hg19) VCF-style: chr2-233128100-A-G.
Other names: c.1581+28A>G (NM_001257281.2); short protein forms K537E.
Identifiers: ClinVar variation 531939 (VCV000531939.12), dbSNP rs954655897, ClinGen allele CA350975649.